The following is an entry in ClinVar:

NM_006904.7(PRKDC):c.7573T>G (p.Trp2525Gly)

Gene: PRKDC (protein kinase, DNA-activated, catalytic subunit; minus strand). Cytogenetic location: 8q11.21.
Variant type: single nucleotide variant.
Coding change: c.7573T>G on transcript NM_006904.7 (MANE Select); coding-DNA position 7573, T replaced by G.
Protein change: p.Trp2525Gly; replaces tryptophan 2525 with glycine.
Molecular consequence: missense variant.
Genome position (GRCh38, 1-based): chr8:47,837,400, A>C on the plus strand (T>G on the coding strand, the complement: PRKDC is on the minus strand). VCF-style: chr8-47837400-A-C. GRCh37 (hg19) VCF-style: chr8-48749961-A-C.
Other names: c.7573T>G, p.Trp2525Gly (NM_001081640.2); short protein forms W2525G.
Identifiers: ClinVar variation 4762334 (VCV004762334.1).

ClinVar aggregate classification (germline): Uncertain significance (1 of 4 stars; one submission).

Conditions:
Severe combined immunodeficiency due to DNA-PKcs deficiency. Also called: IMMUNODEFICIENCY 26 WITH NEUROLOGIC ABNORMALITIES; Immunodeficiency 26 with or without neurologic abnormalities. Identifiers: Orphanet 317425, MedGen C4014833, MONDO:0014423, OMIM 615966.

Submission:

Labcorp Genetics (formerly Invitae), Labcorp
Classification: Uncertain significance for Severe combined immunodeficiency due to DNA-PKcs deficiency. Last evaluated: 2025-11-28. Review status: criteria provided, single submitter. Criteria: Invitae Variant Classification Sherloc (09022015). Collection method: clinical testing. Allele origin: germline.
Comment: This sequence change replaces tryptophan, which is neutral and slightly polar, with glycine, which is neutral and non-polar, at codon 2525 of the PRKDC protein (p.Trp2525Gly). This variant is not present in population databases (gnomAD no frequency). This variant has not been reported in the literature in individuals affected with PRKDC-related conditions. Invitae Evidence Modeling of protein sequence and biophysical properties (such as structural, functional, and spatial information, amino acid conservation, physicochemical variation, residue mobility, and thermodynamic stability) indicates that this missense variant is expected to disrupt PRKDC protein function with a positive predictive value of 80%. In summary, the available evidence is currently insufficient to determine the role of this variant in disease. Therefore, it has been classified as a Variant of Uncertain Significance.